The following is an entry in ClinVar:

NM_000038.6(APC):c.1958+5del

Gene: APC (APC regulator of Wnt signaling pathway; plus strand). Cytogenetic location: 5q22.2.
Variant type: Deletion.
Coding change: c.1958+5del on transcript NM_000038.6 (MANE Select); 5 bases into the intron after coding-DNA position 1958, one base deleted (A; older notation c.1958+5delA).
Molecular consequence: intron variant.
Genome position (GRCh38, 1-based): chr5:112,835,170, A deleted. VCF-style (leftmost placement, unchanged base first): chr5-112835169-TA-T. GRCh37 (hg19) VCF-style: chr5-112170866-TA-T.
Other names: c.1109+5del (NM_001407470.1, NM_001354906.2); c.806+5del (NM_001407472.1, NM_001407471.1); c.2012+5del (NM_001407447.1, NM_001407448.1, NM_001407449.1 and 1 more transcripts); c.1958+5del (NM_001354895.2, NM_001407450.1, NM_001127510.3); c.1709+5del (NM_001407456.1, NM_001407457.1, NM_001407455.1 and 1 more transcripts); c.1655+5del (NM_001407460.1, NM_001407458.1, NM_001407459.1 and 1 more transcripts); c.1928+5del (NM_001407452.1); c.1571+5del (NM_001407469.1, NM_001407467.1); and 12 more.
Identifiers: ClinVar variation 2710050 (VCV002710050.4), dbSNP rs1764745426, ClinGen allele CA1573471759.
Genomic context (GRCh38, chr5:112,835,169, plus strand): 5'-TGGAGGTGGGATATTACGGAATGTGTCCAGCTTGATAGCTACAAATGAGGACCACAGGTA[TA>T]TATAGAGTTTTATATTACTTTTAAAGTACAGAATTCATACTCTCAAAAAGACCTAATTGT-3'

ClinVar aggregate classification (germline): Uncertain significance. Review status: criteria provided, multiple submitters, no conflicts (2 of 4 stars). 2 submissions from 2 submitters: Uncertain significance (2). Last evaluated 2024-01-18.

Conditions:
Hereditary cancer-predisposing syndrome. Also called: Neoplastic Syndromes, Hereditary; Tumor predisposition; Hereditary Cancer Syndrome; Hereditary neoplastic syndrome. Identifiers: Orphanet 140162, MedGen C0027672, MeSH D009386, MONDO:0015356.
Familial adenomatous polyposis 1 (FAP1). Also called: FAMILIAL ADENOMATOUS POLYPOSIS 1, ATTENUATED; POLYPOSIS, ADENOMATOUS INTESTINAL. Identifiers: MedGen C2713442, MONDO:0021056, OMIM 175100. Disease mechanism: loss of function.

Allele frequency attached by ClinVar (database versions not stated): gnomAD exomes below 0.00001.

Submissions (2):

Labcorp Genetics (formerly Invitae), Labcorp
Classification: Uncertain significance for Familial adenomatous polyposis 1. Last evaluated: 2024-01-18. Review status: criteria provided, single submitter. Criteria: Invitae Variant Classification Sherloc (09022015). Collection method: clinical testing. Allele origin: germline.
Comment: This sequence change falls in intron 15 of the APC gene. It does not directly change the encoded amino acid sequence of the APC protein. It affects a nucleotide within the consensus splice site. This variant is not present in population databases (gnomAD no frequency). This variant has not been reported in the literature in individuals affected with APC-related conditions. Variants that disrupt the consensus splice site are a relatively common cause of aberrant splicing (PMID: 17576681, 9536098). Algorithms developed to predict the effect of sequence changes on RNA splicing suggest that this variant is not likely to affect RNA splicing. In summary, the available evidence is currently insufficient to determine the role of this variant in disease. Therefore, it has been classified as a Variant of Uncertain Significance.

Ambry Genetics
Classification: Uncertain significance for Hereditary cancer-predisposing syndrome. Last evaluated: 2023-10-26. Review status: criteria provided, single submitter. Criteria: Ambry Variant Classification Scheme 2023. Collection method: clinical testing. Allele origin: germline.
Comment: The c.1958+5delA intronic variant, located in intron 14 of the APC gene, results from a deletion of one nucleotide within intron 14 of the APC gene. This nucleotide position is not well conserved in available vertebrate species. In silico splice site analysis predicts that this alteration will not have any significant effect on splicing; however, direct evidence is insufficient at this time (Ambry internal data). Since supporting evidence is limited at this time, the clinical significance of this alteration remains unclear.

Literature cited by the submitters: PubMed 17576681 (cited by Labcorp Genetics (formerly Invitae), Labcorp); PubMed 9536098 (cited by Labcorp Genetics (formerly Invitae), Labcorp).